The following is an entry in ClinVar:

ClinVar aggregate classification (germline): Uncertain significance. Review status: criteria provided, multiple submitters, no conflicts (2 of 4 stars). 2 submissions from 2 submitters: Uncertain significance (2). Last evaluated 2025-09-06.

Conditions:
Hereditary cancer-predisposing syndrome. Also called: Neoplastic Syndromes, Hereditary; Tumor predisposition; Hereditary Cancer Syndrome; Hereditary neoplastic syndrome. Identifiers: Orphanet 140162, MedGen C0027672, MeSH D009386, MONDO:0015356.

gnomAD v4.1: 1 of 1,614,082 alleles (0.000062%); highest among the groups gnomAD compares: African/African-American, 0.0013%; no homozygotes.

Submissions (2):

Ambry Genetics
Classification: Uncertain significance for Hereditary cancer-predisposing syndrome. Last evaluated: 2025-09-06. Review status: criteria provided, single submitter. Criteria: Ambry Variant Classification Scheme 2023. Collection method: clinical testing. Allele origin: germline.
Comment: The p.A468S variant (also known as c.1402G>T), located in coding exon 10 of the CTNNA1 gene, results from a G to T substitution at nucleotide position 1402. The alanine at codon 468 is replaced by serine, an amino acid with similar properties. This amino acid position is conserved. In addition, the in silico prediction for this alteration is inconclusive. Based on the available evidence, the clinical significance of this variant remains unclear.

Labcorp Genetics (formerly Invitae), Labcorp
Classification: Uncertain significance. Last evaluated: 2024-09-19. Review status: criteria provided, single submitter. Criteria: Invitae Variant Classification Sherloc (09022015). Collection method: clinical testing. Allele origin: germline.
Comment: This sequence change replaces alanine, which is neutral and non-polar, with serine, which is neutral and polar, at codon 468 of the CTNNA1 protein (p.Ala468Ser). This variant is not present in population databases (gnomAD no frequency). This variant has not been reported in the literature in individuals affected with CTNNA1-related conditions. Invitae Evidence Modeling of protein sequence and biophysical properties (such as structural, functional, and spatial information, amino acid conservation, physicochemical variation, residue mobility, and thermodynamic stability) has been performed for this missense variant. However, the output from this modeling did not meet the statistical confidence thresholds required to predict the impact of this variant on CTNNA1 protein function. In summary, the available evidence is currently insufficient to determine the role of this variant in disease. Therefore, it has been classified as a Variant of Uncertain Significance.

NM_001903.5(CTNNA1):c.1402G>T (p.Ala468Ser)

Gene: CTNNA1 (catenin alpha 1; plus strand). Cytogenetic location: 5q31.2.
Variant type: single nucleotide variant.
Coding change: c.1402G>T on transcript NM_001903.5 (MANE Select); coding-DNA position 1402, G replaced by T.
Protein change: p.Ala468Ser; replaces alanine 468 with serine.
Molecular consequence: missense variant. On other transcripts: 5 prime UTR variant (5).
Genome position (GRCh38, 1-based): chr5:138,917,754, G>T. VCF-style: chr5-138917754-G-T. GRCh37 (hg19) VCF-style: chr5-138253443-G-T.
Other names: c.1402G>T (NM_001903.2); c.1402G>T, p.Ala468Ser (NM_001290307.3, NM_001323982.2, NM_001323983.1 and 2 more transcripts); c.1093G>T, p.Ala365Ser (NM_001290309.3); c.1033G>T, p.Ala345Ser (NM_001290310.3); c.292G>T, p.Ala98Ser (NM_001290312.1, NM_001323987.1, NM_001323988.1 and 17 more transcripts); c.1309G>T, p.Ala437Ser (NM_001323986.2); c.-48G>T (NM_001324006.1, NM_001324007.1, NM_001324008.1 and 2 more transcripts); c.199G>T, p.Ala67Ser (NM_001324011.1); and 1 more; short protein forms A468S, A17S, A345S, A365S, A67S, A437S, A98S.
Identifiers: ClinVar variation 3673282 (VCV003673282.3).
Genomic context (GRCh38, chr5:138,917,754, plus strand): 5'-CCATGACTCTGAAAAAGAGTAAACAGTGAAGTTTAATATCTTTTGCAGGTTATTAATGCT[G>T]CACTGGCTTTAGCAGCAAAACCACAGAGTAAACTGGCCCAAGAGAACATGGATCTTTTTA-3'
Protein context (NP_001894.2, residues 458-478): EALCPQVINA[Ala468Ser]LALAAKPQSK